The following is an entry in ClinVar:

ClinVar aggregate classification (germline): Uncertain significance (1 of 4 stars; one submission).

gnomAD v4.1: 3 of 1,610,990 alleles (0.00019%); highest among the groups gnomAD compares: African/African-American, 0.004%; no homozygotes.

Submission:

Labcorp Genetics (formerly Invitae), Labcorp
Classification: Uncertain significance. Last evaluated: 2025-10-21. Review status: criteria provided, single submitter. Criteria: Invitae Variant Classification Sherloc (09022015). Collection method: clinical testing. Allele origin: germline.
Comment: This sequence change replaces methionine, which is neutral and non-polar, with valine, which is neutral and non-polar, at codon 67 of the APOA5 protein (p.Met67Val). This variant is present in population databases (rs372084940, gnomAD 0.007%). This missense change has been observed in individual(s) with dyslipidemia (PMID: 36325899). An algorithm developed to predict the effect of missense changes on protein structure and function outputs the following: PolyPhen-2: "Benign". The valine amino acid residue is found in multiple mammalian species, which suggests that this missense change does not adversely affect protein function. In summary, the available evidence is currently insufficient to determine the role of this variant in disease. Therefore, it has been classified as a Variant of Uncertain Significance.

Literature cited by the submitters: PubMed 36325899.

NM_001371904.1(APOA5):c.199A>G (p.Met67Val)

Gene: APOA5 (apolipoprotein A5; minus strand). Cytogenetic location: 11q23.3.
Variant type: single nucleotide variant.
Coding change: c.199A>G on transcript NM_001371904.1 (MANE Select); coding-DNA position 199, A replaced by G.
Protein change: p.Met67Val; replaces methionine 67 with valine.
Molecular consequence: missense variant.
Genome position (GRCh38, 1-based): chr11:116,791,030, T>C on the plus strand (A>G on the coding strand, the complement: APOA5 is on the minus strand). VCF-style: chr11-116791030-T-C. GRCh37 (hg19) VCF-style: chr11-116661746-T-C.
Other names: c.199A>G, p.Met67Val (NM_001166598.2, NM_052968.5); short protein forms M67V.
Identifiers: ClinVar variation 4755261 (VCV004755261.1).